The following is an entry in ClinVar:

NM_020163.3(SEMA3G):c.2027C>A (p.Ala676Asp)

Gene: SEMA3G (semaphorin 3G; minus strand). Cytogenetic location: 3p21.1.
Variant type: single nucleotide variant.
Coding change: c.2027C>A on transcript NM_020163.3 (MANE Select); coding-DNA position 2027, C replaced by A.
Protein change: p.Ala676Asp; replaces alanine 676 with aspartic acid.
Molecular consequence: missense variant.
Genome position (GRCh38, 1-based): chr3:52,435,925, G>T on the plus strand (C>A on the coding strand, the complement: SEMA3G is on the minus strand). VCF-style: chr3-52435925-G-T. GRCh37 (hg19) VCF-style: chr3-52469941-G-T.
Other names: short protein forms A676D.
Identifiers: ClinVar variation 3037359 (VCV003037359.2), dbSNP rs149805640, ClinGen allele CA2437734.

ClinVar aggregate classification (germline): Likely benign (0 of 4 stars; one submission).

Conditions:
SEMA3G-related disorder. Also called: SEMA3G-related condition.

Allele frequency attached by ClinVar (database versions not stated): 1000 Genomes Project 30x 0.00078; 1000 Genomes Project 0.00080; ESP Exome Variant Server 0.00192; TOPMed 0.00209; ExAC 0.00259.

Submission:

PreventionGenetics, part of Exact Sciences
Classification: Likely benign for SEMA3G-related condition. Last evaluated: 2021-05-19. Review status: no assertion criteria provided. Collection method: clinical testing. Allele origin: germline.
Comment: This variant is classified as likely benign based on ACMG/AMP sequence variant interpretation guidelines (Richards et al. 2015 PMID: 25741868, with internal and published modifications).